The following is an entry in ClinVar:

NM_031935.3(HMCN1):c.2126G>A (p.Ser709Asn)

Gene: HMCN1 (hemicentin 1; plus strand). Cytogenetic location: 1q31.1.
Variant type: single nucleotide variant.
Coding change: c.2126G>A on transcript NM_031935.3 (MANE Select); coding-DNA position 2126, G replaced by A.
Protein change: p.Ser709Asn; replaces serine 709 with asparagine.
Molecular consequence: missense variant.
Genome position (GRCh38, 1-based): chr1:185,965,829, G>A. VCF-style: chr1-185965829-G-A. GRCh37 (hg19) VCF-style: chr1-185934961-G-A.
Other names: short protein forms S709N.
Identifiers: ClinVar variation 294117 (VCV000294117.7), dbSNP rs886045665, ClinGen allele CA10609067.

ClinVar aggregate classification (germline): Uncertain significance. Review status: criteria provided, multiple submitters, no conflicts (2 of 4 stars). 2 submissions from 2 submitters: Uncertain significance (2). Last evaluated 2024-12-12.

Conditions:
Age related macular degeneration 1 (ARMD1). Also called: MACULOPATHY, AGE-RELATED, 1. Identifiers: MedGen C1864205, MONDO:0011285, OMIM 603075.

Allele frequency attached by ClinVar (database versions not stated): TOPMed below 0.00001; gnomAD exomes 0.00001.
gnomAD v4.1: 11 of 1,611,876 alleles (0.00068%); highest among the groups gnomAD compares: Non-Finnish European, 0.00093%; no homozygotes.

Submissions (2):

Labcorp Genetics (formerly Invitae), Labcorp
Classification: Uncertain significance. Last evaluated: 2024-12-12. Review status: criteria provided, single submitter. Criteria: Invitae Variant Classification Sherloc (09022015). Collection method: clinical testing. Allele origin: germline.
Comment: This sequence change replaces serine, which is neutral and polar, with asparagine, which is neutral and polar, at codon 709 of the HMCN1 protein (p.Ser709Asn). This variant is not present in population databases (gnomAD no frequency). This variant has not been reported in the literature in individuals affected with HMCN1-related conditions. ClinVar contains an entry for this variant (Variation ID: 294117). An algorithm developed to predict the effect of missense changes on protein structure and function (PolyPhen-2) suggests that this variant is likely to be tolerated. In summary, the available evidence is currently insufficient to determine the role of this variant in disease. Therefore, it has been classified as a Variant of Uncertain Significance.

Illumina Laboratory Services, Illumina
Classification: Uncertain significance for Age related macular degeneration 1. Last evaluated: 2018-01-13. Review status: criteria provided, single submitter. Criteria: ICSL Variant Classification Criteria 13 December 2019. Collection method: clinical testing. Allele origin: germline.